The following is an entry in ClinVar:

NM_002519.3(NPAT):c.214A>G (p.Lys72Glu)

Gene: NPAT (nuclear protein, coactivator of histone transcription; minus strand). Cytogenetic location: 11q22.3.
Variant type: single nucleotide variant.
Coding change: c.214A>G on transcript NM_002519.3 (MANE Select); coding-DNA position 214, A replaced by G.
Protein change: p.Lys72Glu; replaces lysine 72 with glutamic acid.
Molecular consequence: missense variant.
Genome position (GRCh38, 1-based): chr11:108,193,960, T>C on the plus strand (A>G on the coding strand, the complement: NPAT is on the minus strand). VCF-style: chr11-108193960-T-C. GRCh37 (hg19) VCF-style: chr11-108064687-T-C.
Other names: c.214A>G, p.Lys72Glu (NM_001321307.1); short protein forms K72E.
Identifiers: ClinVar variation 1786704 (VCV001786704.3), dbSNP rs1317755249, ClinGen allele CA382526769.

ClinVar aggregate classification (germline): Uncertain significance (1 of 4 stars; one submission).

Allele frequency attached by ClinVar (database versions not stated): gnomAD exomes below 0.00001.
gnomAD v4.1: 1 of 1,560,372 alleles (0.000064%); highest among the groups gnomAD compares: Admixed American, 0.0017%; no homozygotes.

Submission:

Ambry Genetics
Classification: Uncertain significance. Last evaluated: 2024-05-25. Review status: criteria provided, single submitter. Criteria: Ambry Variant Classification Scheme 2023. Collection method: clinical testing. Allele origin: germline.
Comment: The p.K72E variant (also known as c.214A>G), located in coding exon 3 of the NPAT gene, results from an A to G substitution at nucleotide position 214. The lysine at codon 72 is replaced by glutamic acid, an amino acid with similar properties. This amino acid position is conserved. In addition, the in silico prediction for this alteration is inconclusive. Since supporting evidence is limited at this time, the clinical significance of this alteration remains unclear.